The following is an entry in ClinVar:

NM_001042492.3(NF1):c.5762_5763del (p.His1921fs)

Gene: NF1 (neurofibromin 1; plus strand). Cytogenetic location: 17q11.2.
Variant type: Microsatellite.
Coding change: c.5762_5763del on transcript NM_001042492.3 (MANE Select); coding-DNA positions 5762 to 5763, 2 bases deleted (AC; older notation c.5762_5763delAC).
Protein change: p.His1921fs; shifts the reading frame from histidine 1921.
Molecular consequence: frameshift variant.
Genome position (GRCh38, 1-based): chr17:31,330,448-31,330,449, AC deleted; deleting any 2 consecutive bases within chr17:31,330,445-31,330,449 gives the same sequence; the c. name uses the placement nearest the transcript's 3' end. VCF-style (leftmost placement, unchanged base first): chr17-31330444-CCA-C. GRCh37 (hg19) VCF-style: chr17-29657462-CCA-C.
Other names: c.5697_5698AC[1], p.His1900Profs (NM_000267.4); short protein forms H1900fs, H1921fs.
Identifiers: ClinVar variation 3652618 (VCV003652618.2).

ClinVar aggregate classification (germline): Pathogenic (1 of 4 stars; one submission).

Conditions:
Neurofibromatosis, type 1 (NF1). Also called: Peripheral type neurofibromatosis; VON RECKLINGHAUSEN DISEASE; Neurofibromatosis, type I; NEUROFIBROMATOSIS, TYPE I, SOMATIC. Identifiers: Orphanet 636, MedGen C0027831, MONDO:0018975, OMIM 162200. Disease mechanism: loss of function.

Submission:

Labcorp Genetics (formerly Invitae), Labcorp
Classification: Pathogenic for Neurofibromatosis, type 1. Last evaluated: 2024-05-08. Review status: criteria provided, single submitter. Criteria: Invitae Variant Classification Sherloc (09022015). Collection method: clinical testing. Allele origin: germline.
Comment: This sequence change creates a premature translational stop signal (p.His1900Profs*14) in the NF1 gene. It is expected to result in an absent or disrupted protein product. Loss-of-function variants in NF1 are known to be pathogenic (PMID: 10712197, 23913538). This variant is not present in population databases (gnomAD no frequency). This variant has not been reported in the literature in individuals affected with NF1-related conditions. For these reasons, this variant has been classified as Pathogenic.

Literature cited by the submitters: PubMed 10712197; PubMed 23913538.